The following is an entry in ClinVar:

NM_182493.3(MYLK3):c.941G>A (p.Gly314Glu)

Gene: MYLK3 (myosin light chain kinase 3; minus strand). Cytogenetic location: 16q11.2.
Variant type: single nucleotide variant.
Coding change: c.941G>A on transcript NM_182493.3 (MANE Select); coding-DNA position 941, G replaced by A.
Protein change: p.Gly314Glu; replaces glycine 314 with glutamic acid.
Molecular consequence: missense variant. On other transcripts: intron variant (1).
Genome position (GRCh38, 1-based): chr16:46,737,771, C>T on the plus strand (G>A on the coding strand, the complement: MYLK3 is on the minus strand). VCF-style: chr16-46737771-C-T. GRCh37 (hg19) VCF-style: chr16-46771683-C-T.
Other names: c.-23+2286G>A (NM_001308301.1); short protein forms G314E.
Identifiers: ClinVar variation 1387492 (VCV001387492.6), dbSNP rs1276234134, ClinGen allele CA395793923.

ClinVar aggregate classification (germline): Uncertain significance (1 of 4 stars; one submission).

gnomAD v4.1: 1 of 1,611,642 alleles (0.000062%); highest among the groups gnomAD compares: African/African-American, 0.0013%; no homozygotes.

Submission:

Labcorp Genetics (formerly Invitae), Labcorp
Classification: Uncertain significance. Last evaluated: 2021-10-16. Review status: criteria provided, single submitter. Criteria: Invitae Variant Classification Sherloc (09022015). Collection method: clinical testing. Allele origin: germline.
Comment: Algorithms developed to predict the effect of missense changes on protein structure and function output the following: SIFT: "Tolerated"; PolyPhen-2: "Benign"; Align-GVGD: "Class C0". The glutamic acid amino acid residue is found in multiple mammalian species, which suggests that this missense change does not adversely affect protein function. This variant has not been reported in the literature in individuals affected with MYLK3-related conditions. This variant is not present in population databases (ExAC no frequency). This sequence change replaces glycine with glutamic acid at codon 314 of the MYLK3 protein (p.Gly314Glu). The glycine residue is weakly conserved and there is a moderate physicochemical difference between glycine and glutamic acid. In summary, the available evidence is currently insufficient to determine the role of this variant in disease. Therefore, it has been classified as a Variant of Uncertain Significance.